The following is an entry in ClinVar:

ClinVar aggregate classification (germline): Uncertain significance (1 of 4 stars; one submission).

Submission:

GeneDx
Classification: Uncertain significance. Last evaluated: 2022-03-10. Review status: criteria provided, single submitter. Criteria: GeneDx Variant Classification Process June 2021. Collection method: clinical testing. Allele origin: germline. Affected: yes.
Comment: Not observed at significant frequency in large population cohorts (gnomAD); In silico analysis supports that this missense variant does not alter protein structure/function; Has not been previously published as pathogenic or benign to our knowledge

NM_000834.5(GRIN2B):c.3446T>C (p.Val1149Ala)

Gene: GRIN2B (glutamate ionotropic receptor NMDA type subunit 2B; minus strand). Cytogenetic location: 12p13.1.
Variant type: single nucleotide variant.
Coding change: c.3446T>C on transcript NM_000834.5 (MANE Select); coding-DNA position 3446, T replaced by C.
Protein change: p.Val1149Ala; replaces valine 1149 with alanine.
Molecular consequence: missense variant.
Genome position (GRCh38, 1-based): chr12:13,563,792, A>G on the plus strand (T>C on the coding strand, the complement: GRIN2B is on the minus strand). VCF-style: chr12-13563792-A-G. GRCh37 (hg19) VCF-style: chr12-13716726-A-G.
Other names: short protein forms V1149A.
Identifiers: ClinVar variation 1704676 (VCV001704676.2), dbSNP rs2497468646, ClinGen allele CA383989272.